The following is an entry in ClinVar:

ClinVar aggregate classification (germline): Uncertain significance (1 of 4 stars; one submission).

Conditions:
Inborn genetic diseases. Identifiers: MedGen C0950123, MeSH D030342.

gnomAD v4.1: 5 of 1,613,744 alleles (0.00031%); highest among the groups gnomAD compares: Admixed American, 0.0083%; no homozygotes.

Submission:

Ambry Genetics
Classification: Uncertain significance for Inborn genetic diseases. Last evaluated: 2025-10-21. Review status: criteria provided, single submitter. Criteria: Ambry Variant Classification Scheme 2023. Collection method: clinical testing. Allele origin: germline.
Comment: The c.2230A>G (p.R744G) alteration is located in exon 6 (coding exon 6) of the ASPM gene. This alteration results from a A to G substitution at nucleotide position 2230, causing the arginine (R) at amino acid position 744 to be replaced by a glycine (G). Based on data from gnomAD, the G allele has an overall frequency of 0.002% (4/251266) total alleles studied. The highest observed frequency was 0.012% (4/34560) of Latino alleles. Based on insufficient or conflicting evidence, the clinical significance of this alteration remains unclear.

NM_018136.5(ASPM):c.2230A>G (p.Arg744Gly)

Gene: ASPM (assembly factor for spindle microtubules; minus strand). Cytogenetic location: 1q31.3.
Variant type: single nucleotide variant.
Coding change: c.2230A>G on transcript NM_018136.5 (MANE Select); coding-DNA position 2230, A replaced by G.
Protein change: p.Arg744Gly; replaces arginine 744 with glycine.
Molecular consequence: missense variant.
Genome position (GRCh38, 1-based): chr1:197,133,539, T>C on the plus strand (A>G on the coding strand, the complement: ASPM is on the minus strand). VCF-style: chr1-197133539-T-C. GRCh37 (hg19) VCF-style: chr1-197102669-T-C.
Other names: c.2230A>G, p.Arg744Gly (NM_001206846.2); short protein forms R744G.
Identifiers: ClinVar variation 4586834 (VCV004586834.1).
Genomic context (GRCh38, chr1:197,133,539, plus strand): 5'-TGTTTAACCTACACCGAGCAGTATAAGCTCTGAGAGACATTTCCTCTTTTGTAGGTGCTC[T>C]AGGAACACTTATTTTATGTTGATTCTCTATTCCCAAAAGAAGAGTAGCAGCATTTACTGG-3'
Protein context (NP_060606.3, residues 734-754): IENQHKISVP[Arg744Gly]APTKEEMSLR